The following is an entry in ClinVar:

ClinVar aggregate classification (germline): Uncertain significance. Review status: criteria provided, multiple submitters, no conflicts (2 of 4 stars). 3 submissions from 3 submitters: Uncertain significance (3). Last evaluated 2024-12-01.

Conditions:
Inborn genetic diseases. Identifiers: MedGen C0950123, MeSH D030342.

Allele frequency attached by ClinVar (database versions not stated): gnomAD 0.00001.
gnomAD v4.1: 8 of 1,614,056 alleles (0.0005%); highest among the groups gnomAD compares: Non-Finnish European, 0.00059%; no homozygotes.

Submissions (3):

CeGaT Center for Human Genetics Tuebingen
Classification: Uncertain significance. Last evaluated: 2024-12-01. Review status: criteria provided, single submitter. Criteria: CeGaT Center For Human Genetics Tuebingen Variant Classification Criteria Version 2. Collection method: clinical testing. Allele origin: germline. Affected: yes. Observed: 1 variant allele.
Comment: ANK3: PM2, BP4

Ambry Genetics
Classification: Uncertain significance for Inborn genetic diseases. Last evaluated: 2024-04-23. Review status: criteria provided, single submitter. Criteria: Ambry Variant Classification Scheme 2023. Collection method: clinical testing. Allele origin: germline.

Labcorp Genetics (formerly Invitae), Labcorp
Classification: Uncertain significance. Last evaluated: 2023-07-14. Review status: criteria provided, single submitter. Criteria: Invitae Variant Classification Sherloc (09022015). Collection method: clinical testing. Allele origin: germline.
Comment: In summary, the available evidence is currently insufficient to determine the role of this variant in disease. Therefore, it has been classified as a Variant of Uncertain Significance. Advanced modeling of protein sequence and biophysical properties (such as structural, functional, and spatial information, amino acid conservation, physicochemical variation, residue mobility, and thermodynamic stability) performed at Invitae indicates that this missense variant is not expected to disrupt ANK3 protein function. This variant has not been reported in the literature in individuals affected with ANK3-related conditions. This variant is present in population databases (no rsID available, gnomAD 0.002%). This sequence change replaces methionine, which is neutral and non-polar, with leucine, which is neutral and non-polar, at codon 2557 of the ANK3 protein (p.Met2557Leu).

NM_020987.5(ANK3):c.7669A>T (p.Met2557Leu)

Gene: ANK3 (ankyrin 3; minus strand). Cytogenetic location: 10q21.2.
Variant type: single nucleotide variant.
Coding change: c.7669A>T on transcript NM_020987.5 (MANE Select); coding-DNA position 7669, A replaced by T.
Protein change: p.Met2557Leu; replaces methionine 2557 with leucine.
Molecular consequence: missense variant. On other transcripts: intron variant (4).
Genome position (GRCh38, 1-based): chr10:60,073,212, T>A on the plus strand (A>T on the coding strand, the complement: ANK3 is on the minus strand). VCF-style: chr10-60073212-T-A. GRCh37 (hg19) VCF-style: chr10-61832970-T-A.
Other names: c.7669A>T (NM_020987.3); c.4388-5203A>T (NM_001204403.2); c.4409-5203A>T (NM_001204404.2); c.4406-5203A>T (NM_001320874.2); c.1808-5203A>T (NM_001149.4); short protein forms M2557L.
Identifiers: ClinVar variation 2960192 (VCV002960192.17), dbSNP rs982958119, ClinGen allele CA207325590.
Genomic context (GRCh38, chr10:60,073,212, plus strand): 5'-CCCTATCTTCATATATCAACTTCTCTCTACCTCTGTCTAATCTGTCCTCAGTAAAGCGCA[T>A]CCACATGGCATGTTTTGGACTACTAACATTGCCAGAATAGTGCAACACTGTCACTTTATC-3'
Protein context (NP_066267.2, residues 2547-2567): NVSSPKHAMW[Met2557Leu]RFTEDRLDRG